The following is an entry in ClinVar:

NM_001353921.2(ARHGEF9):c.29T>C (p.Met10Thr)

Gene: ARHGEF9 (Cdc42 guanine nucleotide exchange factor 9; minus strand). Cytogenetic location: Xq11.1.
Variant type: single nucleotide variant.
Coding change: c.29T>C on transcript NM_001353921.2 (MANE Select); coding-DNA position 29, T replaced by C.
Protein change: p.Met10Thr; replaces methionine 10 with threonine.
Molecular consequence: missense variant. On other transcripts: 5 prime UTR variant (2).
Genome position (GRCh38, 1-based): chrX:63,785,117, A>G on the plus strand (T>C on the coding strand, the complement: ARHGEF9 is on the minus strand). VCF-style: chrX-63785117-A-G. GRCh37 (hg19) VCF-style: chrX-63004997-A-G.
Other names: c.29T>C, p.Met10Thr (NM_001173479.2, NM_001353922.2); c.-133T>C (NM_001330495.2, NM_001369043.1); short protein forms M10T.
Identifiers: ClinVar variation 644871 (VCV000644871.24), dbSNP rs1421919089, ClinGen allele CA413405826.

ClinVar aggregate classification (germline): Benign/Likely benign. Review status: criteria provided, multiple submitters, no conflicts (2 of 4 stars). 2 submissions from 2 submitters: Benign (1); Likely benign (1). Last evaluated 2026-01-15.

Conditions:
Developmental and epileptic encephalopathy, 8 (DEE8). Also called: HYPEREKPLEXIA AND EPILEPSY. Identifiers: Orphanet 163985, Orphanet 2076, MedGen C1845102, MONDO:0010375, OMIM 300607.

Allele frequency attached by ClinVar (database versions not stated): gnomAD 0.00001; gnomAD exomes 0.00001 and 0.00002; TOPMed 0.00001.

Submissions (2):

Labcorp Genetics (formerly Invitae), Labcorp
Classification: Benign for Developmental and epileptic encephalopathy, 8. Last evaluated: 2026-01-15. Review status: criteria provided, single submitter. Criteria: Invitae Variant Classification Sherloc (09022015). Collection method: clinical testing. Allele origin: germline.

CeGaT Center for Human Genetics Tuebingen
Classification: Likely benign. Last evaluated: 2024-09-01. Review status: criteria provided, single submitter. Criteria: CeGaT Center For Human Genetics Tuebingen Variant Classification Criteria Version 2. Collection method: clinical testing. Allele origin: germline. Affected: yes. Observed: 1 variant allele.
Comment: ARHGEF9: BS2